The following is an entry in ClinVar:

ClinVar aggregate classification (germline): Likely benign (1 of 4 stars; one submission).

Conditions:
Arrhythmogenic right ventricular cardiomyopathy (ARVD). Also called: Arrhythmogenic right ventricular dysplasia; Cardiomyopathy, ARVC; Arrhythmogenic cardiomyopathy; Arrhythmogenic Right Ventricular Cardiomyopathy (ARVC). Identifiers: Orphanet 247, MedGen C0349788, MeSH D019571, MONDO:0016587. Disease mechanism: loss of function. Inheritance: Various modes of inheritance.

Submission:

All of Us Research Program, National Institutes of Health
Classification: Likely benign for Arrhythmogenic right ventricular cardiomyopathy. Last evaluated: 2023-10-02. Review status: criteria provided, single submitter. Criteria: ACMG Guidelines, 2015. Collection method: clinical testing. Allele origin: germline. Inheritance: Autosomal dominant inheritance. Observed: 1 variant allele, 1 heterozygote.
Comment: This study involves interpretation of variants in research participants for the purpose of population health screening. Participant phenotype was not available at the time of variant classification. Additional details can be found in publication PMID: 35346344, PMCID: PMC8962531

NM_001005242.3(PKP2):c.2145T>C (p.Asn715=)

Gene: PKP2 (plakophilin 2; minus strand). Cytogenetic location: 12p11.21.
Variant type: single nucleotide variant.
Coding change: c.2145T>C on transcript NM_001005242.3 (MANE Select); coding-DNA position 2145, T replaced by C.
Protein change: p.Asn715=; no amino-acid change (asparagine 715 retained).
Molecular consequence: synonymous variant.
Genome position (GRCh38, 1-based): chr12:32,802,425, A>G on the plus strand (T>C on the coding strand, the complement: PKP2 is on the minus strand). VCF-style: chr12-32802425-A-G. GRCh37 (hg19) VCF-style: chr12-32955359-A-G.
Other names: c.2145T>C, p.Asn715= (NM_001407155.1); c.1980T>C, p.Asn660= (NM_001407156.1); c.1818T>C, p.Asn606= (NM_001407158.1, NM_001407159.1, NM_001407160.1); c.2277T>C, p.Asn759= (NM_004572.4).
Identifiers: ClinVar variation 3073646 (VCV003073646.1), dbSNP rs2541200446, ClinGen allele CA479174761.